The following is an entry in ClinVar:

NM_000231.3(SGCG):c.247del (p.Glu83fs)

Gene: SGCG (sarcoglycan gamma; plus strand). Cytogenetic location: 13q12.12.
Variant type: Deletion.
Coding change: c.247del on transcript NM_000231.3 (MANE Select); coding-DNA position 247, one base deleted (G; older notation c.247delG).
Protein change: p.Glu83fs; shifts the reading frame from glutamic acid 83.
Molecular consequence: frameshift variant.
Genome position (GRCh38, 1-based): chr13:23,234,662, G deleted; the last of 4 consecutive G bases (chr13:23,234,659-23,234,662); deleting any one gives the same sequence. VCF-style (leftmost placement, unchanged base first): chr13-23234658-AG-A. GRCh37 (hg19) VCF-style: chr13-23808797-AG-A.
Other names: c.301del, p.Glu101fs (NM_001378244.1); c.247del, p.Glu83fs (NM_001378245.1, NM_001378246.1); short protein forms E101fs, E83fs.
Identifiers: ClinVar variation 5014040 (VCV005014040.1).
Genomic context (GRCh38, chr13:23,234,658, plus strand): 5'-TTTTTTTTAACAGGCAGGAATGGGCCACTTGTGTGTAACAAAAGATGGACTGCGCTTGGA[AG>A]GGGAATCAGAATTTTTATTCCCATTGTATGCCAAAGAAATACACTCCAGAGTGGTAAGAA-3'

ClinVar aggregate classification (germline): Pathogenic (1 of 4 stars; one submission).

Conditions:
Autosomal recessive limb-girdle muscular dystrophy type 2C (LGMDR5). Also called: MUSCULAR DYSTROPHY, DUCHENNE-LIKE; MUSCULAR DYSTROPHY, LIMB-GIRDLE, AUTOSOMAL RECESSIVE 5. Identifiers: Orphanet 353, MedGen C0410173, MONDO:0009677, OMIM 253700. Disease mechanism: Affects gamma-sarcoglycan and also disrupts the integrity of the entire sarcoglycan complex..

Submission:

Myriad Genetics, Inc.
Classification: Pathogenic for Autosomal recessive limb-girdle muscular dystrophy type 2C. Last evaluated: 2025-01-30. Review status: criteria provided, single submitter. Criteria: Myriad Autosomal Dominant, Autosomal Recessive and X-Linked Classification Criteria (2023). Collection method: clinical testing. Allele origin: unknown.
Comment: NM_000231.2(SGCG):c.247delG(E83Nfs*29) is expected to be pathogenic in the context of gamma-sarcoglycanopathy. This variant is predicted to lead to an abnormal or absent protein product due to the creation of a premature termination codon in SGCG, a gene where loss-of-function variants are known to be pathogenic. Please note: this variant was assessed in the context of healthy population screening.